The following is an entry in ClinVar:

ClinVar aggregate classification (germline): Conflicting classifications of pathogenicity. Review status: criteria provided, conflicting classifications (1 of 4 stars). 5 submissions from 5 submitters: Uncertain significance (1); Likely benign (4). Last evaluated 2026-07-07.

Conditions:
Intellectual disability, autosomal dominant 16 (CSS4). Also called: COFFIN-SIRIS SYNDROME 4. Identifiers: Orphanet 1465, MedGen C3553249, MONDO:0013821, OMIM 614609.
Rhabdoid tumor predisposition syndrome 2 (RTPS2). Identifiers: Orphanet 231108, Orphanet 69077, MedGen C2750074, MONDO:0013224, OMIM 613325.
Hereditary cancer-predisposing syndrome. Also called: Hereditary Cancer Syndrome; Hereditary neoplastic syndrome; Neoplastic Syndromes, Hereditary; Tumor predisposition. Identifiers: Orphanet 140162, MedGen C0027672, MeSH D009386, MONDO:0015356.

Allele frequency attached by ClinVar (database versions not stated): gnomAD 0.00001; gnomAD exomes 0.00001; ExAC 0.00003; TOPMed below 0.00001.
gnomAD v4.1: 14 of 1,597,658 alleles (0.00088%); highest among the groups gnomAD compares: Non-Finnish European, 0.0011%; no homozygotes.

Submissions (5):

Myriad Genetics, Inc.
Classification: Likely benign for Rhabdoid tumor predisposition syndrome 2. Last evaluated: 2026-07-07. Review status: criteria provided, single submitter. Criteria: Myriad Autosomal Dominant, Autosomal Recessive and X-Linked Classification Criteria (2023). Collection method: clinical testing. Allele origin: unknown.
Comment: This variant is considered likely benign. This variant is intronic and is not expected to impact mRNA splicing. This variant has been observed at a population frequency that is significantly greater than expected given the associated disease prevalence and penetrance.

Labcorp Genetics (formerly Invitae), Labcorp
Classification: Likely benign for Rhabdoid tumor predisposition syndrome 2. Last evaluated: 2026-01-10. Review status: criteria provided, single submitter. Criteria: Invitae Variant Classification Sherloc (09022015). Collection method: clinical testing. Allele origin: germline.

GeneDx
Classification: Uncertain significance. Last evaluated: 2025-04-30. Review status: criteria provided, single submitter. Criteria: GeneDx Variant Classification Process June 2021. Collection method: clinical testing. Allele origin: germline. Affected: yes.
Comment: In silico analysis indicates that this variant does not alter splicing; Has not been previously published as pathogenic or benign to our knowledge

Genome-Nilou Lab
Classification: Likely benign for Intellectual disability, autosomal dominant 16. Last evaluated: 2021-07-15. Review status: criteria provided, single submitter. Criteria: ACMG Guidelines, 2015. Collection method: clinical testing. Allele origin: germline. Affected: no.

Ambry Genetics
Classification: Likely benign for Hereditary cancer-predisposing syndrome. Last evaluated: 2018-06-12. Review status: criteria provided, single submitter. Criteria: Ambry Variant Classification Scheme 2023. Collection method: clinical testing. Allele origin: germline.

NM_003072.5(SMARCA4):c.3081+5G>A

Gene: SMARCA4 (SWI/SNF related BAF chromatin remodeling complex subunit ATPase 4; plus strand). Cytogenetic location: 19p13.2.
Variant type: single nucleotide variant.
Coding change: c.3081+5G>A on transcript NM_003072.5 (MANE Select); 5 bases into the intron after coding-DNA position 3081, G replaced by A.
Molecular consequence: intron variant.
Genome position (GRCh38, 1-based): chr19:11,024,443, G>A. VCF-style: chr19-11024443-G-A. GRCh37 (hg19) VCF-style: chr19-11135119-G-A.
Other names: c.3081+5G>A (NM_001128844.3, NM_001128849.3, NM_001128847.4 and 5 more transcripts).
Identifiers: ClinVar variation 470334 (VCV000470334.20), dbSNP rs771818383, ClinGen allele CA9204303.
Genomic context (GRCh38, chr19:11,024,443, plus strand): 5'-GCCACATGCAGGCCAAGGGCGTGCTGCTGACTGATGGCTCCGAGAAGGACAAGAAGGTGG[G>A]CCCCAGAGTCCCCCAACTGCATTCCCCACTGGGTGTCCAAGGCCGGCAGCGTGGCAGGCA-3'